The following is an entry in ClinVar:

ClinVar aggregate classification (germline): Conflicting classifications of pathogenicity. Review status: criteria provided, conflicting classifications (1 of 4 stars). 2 submissions from 2 submitters: Uncertain significance (1); Likely benign (1). Last evaluated 2025-07-14.

Conditions:
Tuberous sclerosis 2 (TSC2). Identifiers: Orphanet 805, MedGen C1860707, MONDO:0013199, OMIM 613254.
Hereditary cancer-predisposing syndrome. Also called: Hereditary neoplastic syndrome; Neoplastic Syndromes, Hereditary; Tumor predisposition; Hereditary Cancer Syndrome. Identifiers: Orphanet 140162, MedGen C0027672, MeSH D009386, MONDO:0015356.

Allele frequency attached by ClinVar (database versions not stated): ExAC 0.00001; gnomAD exomes 0.00001.
gnomAD v4.1: 1 of 1,612,490 alleles (0.000062%); highest among the groups gnomAD compares: Non-Finnish European, 0.000085%; no homozygotes.

Submissions (2):

Ambry Genetics
Classification: Uncertain significance for Hereditary cancer-predisposing syndrome. Last evaluated: 2025-07-14. Review status: criteria provided, single submitter. Criteria: Ambry Variant Classification Scheme 2023. Collection method: clinical testing. Allele origin: germline.
Comment: The c.3834G>A variant (also known as p.L1278L), located in coding exon 31 of the TSC2 gene. This variant results from a G to A substitution at nucleotide position 3834. This nucleotide substitution does not change the leucine at codon 1278. This nucleotide position is well conserved in available vertebrate species. In silico splice site analysis for this alteration is inconclusive. Since supporting evidence is limited at this time, the clinical significance of this alteration remains unclear.

Labcorp Genetics (formerly Invitae), Labcorp
Classification: Likely benign for Tuberous sclerosis 2. Last evaluated: 2024-10-09. Review status: criteria provided, single submitter. Criteria: Invitae Variant Classification Sherloc (09022015). Collection method: clinical testing. Allele origin: germline.

NM_000548.5(TSC2):c.3834G>A (p.Leu1278=)

Gene: TSC2 (TSC complex subunit 2; plus strand). Cytogenetic location: 16p13.3.
Variant type: single nucleotide variant.
Coding change: c.3834G>A on transcript NM_000548.5 (MANE Select); coding-DNA position 3834, G replaced by A.
Protein change: p.Leu1278=; no amino-acid change (leucine 1278 retained).
Molecular consequence: synonymous variant. On other transcripts: intron variant (6).
Genome position (GRCh38, 1-based): chr16:2,082,455, G>A. VCF-style: chr16-2082455-G-A. GRCh37 (hg19) VCF-style: chr16-2132456-G-A.
Other names: c.3102G>A, p.Leu1034= (NM_001318831.2); c.3702G>A, p.Leu1234= (NM_001370404.1); c.3705G>A, p.Leu1235= (NM_001370405.1, NM_021055.3); c.3814+657G>A (NM_001114382.3); c.3685+657G>A (NM_001363528.2); c.3682+657G>A (NM_001077183.3); c.3574+657G>A (NM_001318827.2); c.3538+657G>A (NM_001318829.2); and 1 more.
Identifiers: ClinVar variation 735798 (VCV000735798.14), dbSNP rs766029525, ClinGen allele CA048852.